The following is an entry in ClinVar:

ClinVar aggregate classification (germline): Uncertain significance. Review status: criteria provided, single submitter (1 of 4 stars). 2 submissions from 2 submitters: Uncertain significance (1). 1 of the submissions does not count toward it. Last evaluated 2020-06-29.

Conditions:
PIEZO2-related disorder. Also called: PIEZO2-related condition; PIEZO2-related disorders.

Allele frequency attached by ClinVar (database versions not stated): gnomAD 0.00001; gnomAD exomes 0.00001 and 0.00003; TOPMed 0.00002.
gnomAD v4.1: 23 of 1,536,586 alleles (0.0015%); highest among the groups gnomAD compares: Non-Finnish European, 0.0018%; no homozygotes.

Submissions (2):

GeneDx
Classification: Uncertain significance. Last evaluated: 2020-06-29. Review status: criteria provided, single submitter. Criteria: GeneDx Variant Classification Process June 2021. Collection method: clinical testing. Allele origin: germline. Affected: yes.
Comment: In silico analysis supports that this missense variant has a deleterious effect on protein structure/function; Has not been previously published as pathogenic or benign to our knowledge

PreventionGenetics, part of Exact Sciences
Classification: Uncertain significance for PIEZO2-related condition. Last evaluated: 2024-09-03. Review status: no assertion criteria provided. Collection method: clinical testing. Allele origin: germline. Not counted in ClinVar's aggregate classification.
Comment: The PIEZO2 c.2161C>G variant is predicted to result in the amino acid substitution p.Leu721Val. To our knowledge, this variant has not been reported in the literature. This variant is reported in 0.0069% of alleles in individuals of European (non-Finnish) descent in gnomAD. At this time, the clinical significance of this variant is uncertain due to the absence of conclusive functional and genetic evidence.

NM_001378183.1(PIEZO2):c.2161C>G (p.Leu721Val)

Gene: PIEZO2 (piezo type mechanosensitive ion channel component 2; minus strand). Cytogenetic location: 18p11.22.
Variant type: single nucleotide variant.
Coding change: c.2161C>G on transcript NM_001378183.1 (MANE Select); coding-DNA position 2161, C replaced by G.
Protein change: p.Leu721Val; replaces leucine 721 with valine.
Molecular consequence: missense variant.
Genome position (GRCh38, 1-based): chr18:10,789,087, G>C on the plus strand (C>G on the coding strand, the complement: PIEZO2 is on the minus strand). VCF-style: chr18-10789087-G-C. GRCh37 (hg19) VCF-style: chr18-10789085-G-C.
Other names: c.2161C>G, p.Leu721Val (NM_022068.4); c.2161C>G (NM_022068.3); short protein forms L721V.
Identifiers: ClinVar variation 1312838 (VCV001312838.3), dbSNP rs1481129284, ClinGen allele CA401921352.